The following is an entry in ClinVar:

NM_018718.3(CEP41):c.1009T>C (p.Ser337Pro)

Gene: CEP41 (centrosomal protein 41; minus strand). Cytogenetic location: 7q32.2.
Variant type: single nucleotide variant.
Coding change: c.1009T>C on transcript NM_018718.3 (MANE Select); coding-DNA position 1009, T replaced by C.
Protein change: p.Ser337Pro; replaces serine 337 with proline.
Molecular consequence: missense variant. On other transcripts: non-coding transcript variant (1).
Genome position (GRCh38, 1-based): chr7:130,399,004, A>G on the plus strand (T>C on the coding strand, the complement: CEP41 is on the minus strand). VCF-style: chr7-130399004-A-G. GRCh37 (hg19) VCF-style: chr7-130038845-A-G.
Other names: c.793T>C, p.Ser265Pro (NM_001257158.2); c.745T>C, p.Ser249Pro (NM_001257159.2); short protein forms S337P, S265P, S249P.
Identifiers: ClinVar variation 358939 (VCV000358939.37), dbSNP rs147444165, ClinGen allele CA4485409.

ClinVar aggregate classification (germline): Conflicting classifications of pathogenicity. Review status: criteria provided, conflicting classifications (1 of 4 stars). 7 submissions from 7 submitters: Uncertain significance (1); Likely benign (5). 1 of the submissions does not count toward it. Last evaluated 2026-01-21.

Conditions:
Joubert syndrome 15 (JBTS15). Identifiers: Orphanet 475, MedGen C3280897, MONDO:0013763, OMIM 614464.
CEP41-related disorder. Also called: CEP41-related condition.

Allele frequency attached by ClinVar (database versions not stated): gnomAD exomes 0.00059; ExAC 0.00072; 1000 Genomes Project 0.00160; 1000 Genomes Project 30x 0.00172; gnomAD 0.00207 and 0.00223; ESP Exome Variant Server 0.00215; TOPMed 0.00244.
gnomAD v4.1: 687 of 1,614,066 alleles (0.043%); highest among the groups gnomAD compares: African/African-American, 0.73%; 3 homozygotes.

Submissions (7):

Labcorp Genetics (formerly Invitae), Labcorp
Classification: Likely benign for Joubert syndrome 15. Last evaluated: 2026-01-21. Review status: criteria provided, single submitter. Criteria: Invitae Variant Classification Sherloc (09022015). Collection method: clinical testing. Allele origin: germline.

CeGaT Center for Human Genetics Tuebingen
Classification: Likely benign. Last evaluated: 2025-05-01. Review status: criteria provided, single submitter. Criteria: CeGaT Center For Human Genetics Tuebingen Variant Classification Criteria Version 2. Collection method: clinical testing. Allele origin: germline. Affected: yes. Observed: 2 variant alleles.
Comment: CEP41: BP4, BS2

Blueprint Genetics
Classification: Likely benign. Last evaluated: 2024-09-16. Review status: criteria provided, single submitter. Criteria: ACMG Guidelines, 2015. Collection method: clinical testing. Allele origin: germline.

GeneDx
Classification: Likely benign. Last evaluated: 2019-10-10. Review status: criteria provided, single submitter. Criteria: GeneDx Variant Classification Process June 2021. Collection method: clinical testing. Allele origin: germline. Affected: yes.

Illumina Laboratory Services, Illumina
Classification: Likely benign for Joubert syndrome 15. Last evaluated: 2018-01-13. Review status: criteria provided, single submitter. Criteria: ICSL Variant Classification Criteria 13 December 2019. Collection method: clinical testing. Allele origin: germline.
Comment: This variant was observed in the ICSL laboratory as part of a predisposition screen in an ostensibly healthy population. It had not been previously curated by ICSL or reported in the Human Gene Mutation Database (HGMD: prior to June 1st, 2018), and was therefore a candidate for classification through an automated scoring system. Utilizing variant allele frequency, disease prevalence and penetrance estimates, and inheritance mode, an automated score was calculated to assess if this variant is too frequent to cause the disease. Based on the score and internal cut-off values, a variant classified as likely benign is not then subjected to further curation. The score for this variant resulted in a classification of likely benign for this disease.

Center for Pediatric Genomic Medicine, Children's Mercy Hospital and Clinics
Classification: Uncertain significance. Last evaluated: 2016-11-18. Review status: criteria provided, single submitter. Criteria: ACMG Guidelines, 2015. Collection method: clinical testing. Allele origin: germline.
ClinVar note: Converted during submission from Uncertain Significance to Uncertain significance.

PreventionGenetics, part of Exact Sciences
Classification: Likely benign for CEP41-related condition. Last evaluated: 2021-11-05. Review status: no assertion criteria provided. Collection method: clinical testing. Allele origin: germline. Not counted in ClinVar's aggregate classification.
Comment: This variant is classified as likely benign based on ACMG/AMP sequence variant interpretation guidelines (Richards et al. 2015 PMID: 25741868, with internal and published modifications).